The following is an entry in ClinVar:

NC_000002.11:g.(?_166868599)_(166900579_?)del

Gene: SCN1A (sodium voltage-gated channel alpha subunit 1; minus strand). Cytogenetic location: 2q24.3.
Variant type: Deletion.
Identifiers: ClinVar variation 1452862 (VCV001452862.7).

ClinVar aggregate classification (germline): Pathogenic (1 of 4 stars; one submission).

Conditions:
Developmental and epileptic encephalopathy. Identifiers: MedGen C5779964, MONDO:0100620.

Submission:

Labcorp Genetics (formerly Invitae), Labcorp
Classification: Pathogenic for Early-infantile DEE. Last evaluated: 2021-04-24. Review status: criteria provided, single submitter. Criteria: Invitae Variant Classification Sherloc (09022015). Collection method: clinical testing. Allele origin: germline.
Comment: For these reasons, this variant has been classified as Pathogenic. The region of the SCN1A gene that includes exon(s) 12-14 has been determined to be clinically significant (PMID: 17561957). Therefore, deletions that encompass that region are likely to disrupt protein function and cause disease. This variant has not been reported in the literature in individuals with SCN1A-related conditions. This variant is a gross deletion of the genomic region encompassing exon(s) 11-19 of the SCN1A gene. This variant would be expected to be in-frame, preserving the integrity of the reading frame.

Literature cited by the submitters: PubMed 17561957.